The following is an entry in ClinVar:

NM_001854.4(COL11A1):c.2416C>G (p.Pro806Ala)

Gene: COL11A1 (collagen type XI alpha 1 chain; minus strand). Cytogenetic location: 1p21.1.
Variant type: single nucleotide variant.
Coding change: c.2416C>G on transcript NM_001854.4 (MANE Select); coding-DNA position 2416, C replaced by G.
Protein change: p.Pro806Ala; replaces proline 806 with alanine.
Molecular consequence: missense variant. On other transcripts: non-coding transcript variant (1).
Genome position (GRCh38, 1-based): chr1:102,987,719, G>C on the plus strand (C>G on the coding strand, the complement: COL11A1 is on the minus strand). VCF-style: chr1-102987719-G-C. GRCh37 (hg19) VCF-style: chr1-103453275-G-C.
Other names: c.2299C>G, p.Pro767Ala (NM_001190709.2); c.2452C>G, p.Pro818Ala (NM_080629.3); c.2068C>G, p.Pro690Ala (NM_080630.4); short protein forms P690A, P767A, P806A, P818A.
Identifiers: ClinVar variation 1511138 (VCV001511138.8), dbSNP rs2101738655, ClinGen allele CA341166164.

ClinVar aggregate classification (germline): Uncertain significance (1 of 4 stars; one submission).

Submission:

Labcorp Genetics (formerly Invitae), Labcorp
Classification: Uncertain significance. Last evaluated: 2022-11-01. Review status: criteria provided, single submitter. Criteria: Invitae Variant Classification Sherloc (09022015). Collection method: clinical testing. Allele origin: germline.
Comment: This sequence change replaces proline, which is neutral and non-polar, with alanine, which is neutral and non-polar, at codon 806 of the COL11A1 protein (p.Pro806Ala). This variant is not present in population databases (gnomAD no frequency). This variant has not been reported in the literature in individuals affected with COL11A1-related conditions. ClinVar contains an entry for this variant (Variation ID: 1511138). Advanced modeling of protein sequence and biophysical properties (such as structural, functional, and spatial information, amino acid conservation, physicochemical variation, residue mobility, and thermodynamic stability) performed at Invitae indicates that this missense variant is not expected to disrupt COL11A1 protein function. In summary, the available evidence is currently insufficient to determine the role of this variant in disease. Therefore, it has been classified as a Variant of Uncertain Significance.